The following is an entry in ClinVar:

NM_001010909.5(MUC21):c.1117A>G (p.Ser373Gly)

Genes: MUC21 (mucin 21, cell surface associated; plus strand), LOC126859647 (CDK7 strongly-dependent group 2 enhancer GRCh37_chr6:30954612-30955811; plus strand). Cytogenetic location: 6p21.33.
Variant type: single nucleotide variant.
Coding change: c.1117A>G on transcript NM_001010909.5 (MANE Select); coding-DNA position 1117, A replaced by G.
Protein change: p.Ser373Gly; replaces serine 373 with glycine.
Molecular consequence: missense variant. On other transcripts: non-coding transcript variant (1).
Genome position (GRCh38, 1-based): chr6:30,987,292, A>G. VCF-style: chr6-30987292-A-G. GRCh37 (hg19) VCF-style: chr6-30955069-A-G.
Other names: c.1207A>G, p.Ser403Gly (NM_001322370.2); c.1207A>G, p.Asn403Asp (NM_001322371.2); short protein forms N403D, S373G, S403G.
Identifiers: ClinVar variation 2350258 (VCV002350258.4), dbSNP rs760480061, ClinGen allele CA3707423.

ClinVar aggregate classification (germline): Conflicting classifications of pathogenicity. Review status: criteria provided, conflicting classifications (1 of 4 stars). 2 submissions from 2 submitters: Uncertain significance (1); Likely benign (1). Last evaluated 2026-08-01.

Allele frequency attached by ClinVar (database versions not stated): ExAC 0.00008.

Submissions (2):

CeGaT Center for Human Genetics Tuebingen
Classification: Likely benign. Last evaluated: 2026-08-01. Review status: criteria provided, single submitter. Criteria: CeGaT Center For Human Genetics Tuebingen Variant Classification Criteria Version 2. Collection method: clinical testing. Allele origin: germline. Affected: yes. Observed: 2 variant alleles.
Comment: MUC21: BP4

Ambry Genetics
Classification: Uncertain significance. Last evaluated: 2024-04-29. Review status: criteria provided, single submitter. Criteria: Ambry Variant Classification Scheme 2023. Collection method: clinical testing. Allele origin: germline.